The following is an entry in ClinVar:

ClinVar aggregate classification (germline): Uncertain significance (1 of 4 stars; one submission).

Submission:

GeneDx
Classification: Uncertain significance. Last evaluated: 2025-05-14. Review status: criteria provided, single submitter. Criteria: GeneDx Variant Classification Process June 2021. Collection method: clinical testing. Allele origin: germline. Affected: yes.
Comment: Not observed at significant frequency in large population cohorts (gnomAD); In-frame deletion of 1 amino acid(s) in a non-repeat region; In silico analysis supports a deleterious effect on protein structure/function; Has not been previously published as pathogenic or benign to our knowledge

NM_001042424.3(NSD2):c.860_862del (p.Glu287del)

Gene: NSD2 (nuclear receptor binding SET domain protein 2; plus strand). Cytogenetic location: 4p16.3.
Variant type: Deletion.
Coding change: c.860_862del on transcript NM_001042424.3 (MANE Select); coding-DNA positions 860 to 862, 3 bases deleted (AAG; older notation c.860_862delAAG).
Protein change: p.Glu287del; deletes glutamic acid 287.
Molecular consequence: inframe deletion. On other transcripts: 5 prime UTR variant (2).
Genome position (GRCh38, 1-based): chr4:1,916,970-1,916,972, AAG deleted; deleting any 3 consecutive bases within chr4:1,916,968-1,916,972 gives the same sequence; the c. name uses the placement nearest the transcript's 3' end. VCF-style (leftmost placement, unchanged base first): chr4-1916967-GAGA-G. GRCh37 (hg19) VCF-style: chr4-1918694-GAGA-G.
Other names: c.860_862del, p.Glu287del (NM_001440892.1, NM_001440894.1, NM_001440895.1 and 8 more transcripts); c.959_961del, p.Glu320del (NM_001440893.1); c.-110_-108del (NM_001440899.1, NM_001440900.1); short protein forms E287del, E320del.
Identifiers: ClinVar variation 4529772 (VCV004529772.1).